The following is an entry in ClinVar:

NM_022114.4(PRDM16):c.844G>A (p.Glu282Lys)

Gene: PRDM16 (PR/SET domain 16; plus strand). Cytogenetic location: 1p36.32.
Variant type: single nucleotide variant.
Coding change: c.844G>A on transcript NM_022114.4 (MANE Select); coding-DNA position 844, G replaced by A.
Protein change: p.Glu282Lys; replaces glutamic acid 282 with lysine.
Molecular consequence: missense variant.
Genome position (GRCh38, 1-based): chr1:3,402,958, G>A. VCF-style: chr1-3402958-G-A. GRCh37 (hg19) VCF-style: chr1-3319522-G-A.
Other names: c.844G>A, p.Glu282Lys (NM_199454.3); short protein forms E282K.
Identifiers: ClinVar variation 580220 (VCV000580220.9), dbSNP rs187351394, ClinGen allele CA543975.
Genomic context (GRCh38, chr1:3,402,958, plus strand): 5'-GAGGGCCTGGCTGAGGAGCTCAAGCCCGAGGGCCTTGGCGGTGGCAGCGGCCAAGCCCAC[G>A]AGTGCAAGGACTGCGAGCGGATGTTCCCCAACAAGTACAGGTGCCACGCCCTCCTCTGAG-3'
Protein context (NP_071397.3, residues 272-292): GLGGGSGQAH[Glu282Lys]CKDCERMFPN

ClinVar aggregate classification (germline): Uncertain significance (1 of 4 stars; one submission).

Conditions:
Left ventricular noncompaction 8 (LVNC8). Identifiers: Orphanet 154, Orphanet 54260, MedGen C3809288, MONDO:0014152, OMIM 615373.

Allele frequency attached by ClinVar (database versions not stated): gnomAD 0.00001 and 0.00002; gnomAD exomes 0.00002; TOPMed 0.00002; ExAC 0.00003; 1000 Genomes Project 0.00020; 1000 Genomes Project 30x 0.00031.
gnomAD v4.1: 24 of 1,612,388 alleles (0.0015%); highest among the groups gnomAD compares: South Asian, 0.0044%; no homozygotes.

Submission:

Labcorp Genetics (formerly Invitae), Labcorp
Classification: Uncertain significance for Left ventricular noncompaction 8. Last evaluated: 2018-04-23. Review status: criteria provided, single submitter. Criteria: Invitae Variant Classification Sherloc (09022015). Collection method: clinical testing. Allele origin: germline.
Comment: This variant is present in population databases (rs187351394, ExAC 0.01%). In summary, the available evidence is currently insufficient to determine the role of this variant in disease. Therefore, it has been classified as a Variant of Uncertain Significance. Algorithms developed to predict the effect of missense changes on protein structure and function do not agree on the potential impact of this missense change (SIFT: "Tolerated"; PolyPhen-2: "Possibly Damaging"; Align-GVGD: "Class C0"). This variant has not been reported in the literature in individuals with PRDM16-related disease. This sequence change replaces glutamic acid with lysine at codon 282 of the PRDM16 protein (p.Glu282Lys). The glutamic acid residue is highly conserved and there is a small physicochemical difference between glutamic acid and lysine.